The following is an entry in ClinVar:

ClinVar aggregate classification (germline): Uncertain significance (1 of 4 stars; one submission).

Conditions:
KIDINS220-related disorder. Also called: KIDINS220-related condition.

gnomAD v4.1: 1 of 1,614,142 alleles (0.000062%); highest among the groups gnomAD compares: Non-Finnish European, 0.000085%; no homozygotes.

Submission:

PreventionGenetics, part of Exact Sciences
Classification: Uncertain significance for KIDINS220-related condition. Last evaluated: 2026-04-14. Review status: criteria provided, single submitter. Criteria: ACMG Guidelines, 2015. Collection method: clinical testing. Allele origin: germline.
Comment: The KIDINS220 c.5230A>G variant is predicted to result in the amino acid substitution p.Arg1744Gly. To our knowledge, this variant has not been reported in the literature or in a large population database (gnomAD), indicating this variant is rare. At this time, the clinical significance of this variant is uncertain due to the absence of conclusive functional and genetic evidence.

NM_020738.4(KIDINS220):c.5230A>G (p.Arg1744Gly)

Gene: KIDINS220 (kinase D interacting substrate 220; minus strand). Cytogenetic location: 2p25.1.
Variant type: single nucleotide variant.
Coding change: c.5230A>G on transcript NM_020738.4 (MANE Select); coding-DNA position 5230, A replaced by G.
Protein change: p.Arg1744Gly; replaces arginine 1744 with glycine.
Molecular consequence: missense variant. On other transcripts: intron variant (6).
Genome position (GRCh38, 1-based): chr2:8,730,806, T>C on the plus strand (A>G on the coding strand, the complement: KIDINS220 is on the minus strand). VCF-style: chr2-8730806-T-C. GRCh37 (hg19) VCF-style: chr2-8870936-T-C.
Other names: c.5233A>G, p.Arg1745Gly (NM_001348729.2); c.5176A>G, p.Arg1726Gly (NM_001348731.2); c.5173A>G, p.Arg1725Gly (NM_001348732.2); c.5062A>G, p.Arg1688Gly (NM_001348734.2); c.5059A>G, p.Arg1687Gly (NM_001348735.2); c.4933A>G, p.Arg1645Gly (NM_001348736.2); c.3882+2638A>G (NM_001348741.2, NM_001348742.2, NM_001348743.2); c.3996+2638A>G (NM_001348738.2); and 1 more; short protein forms R1725G, R1744G, R1645G, R1688G, R1745G, R1726G, R1687G.
Identifiers: ClinVar variation 4994945 (VCV004994945.1).
Genomic context (GRCh38, chr2:8,730,806, plus strand): 5'-CAAAGCCTGTGCTCTCAGAAGAGGCTGCTGCATGGAGCTCCGGAGGATCTTTGGAGAGCC[T>C]TGTGTAACTTGAACGTTGGCTTCGCTTATGTGTCATGCTTTTTAGATTCTCATTCTGAAT-3'
Protein context (NP_065789.1, residues 1734-1754): HKRSQRSSYT[Arg1744Gly]LSKDPPELHA